The following is an entry in ClinVar:

ClinVar aggregate classification (germline): Uncertain significance (1 of 4 stars; one submission).

Conditions:
Microcephaly. Also called: Microcephaly (disease). Identifiers: MedGen C4551563, MONDO:0001149, HP:0000252.
Severe intellectual disability. Identifiers: MedGen C0036857, HP:0010864.
Cerebral calcification. Also called: Cerebral calcifications. Identifiers: MedGen C0270685, HP:0002514.
Seizure. Also called: Seizures. Identifiers: MedGen C0036572, HP:0001250.

Submission:

Institute of Human Genetics, University of Leipzig Medical Center
Classification: Uncertain significance for Severe intellectual disability; Seizure; Microcephaly; Cerebral calcification. Last evaluated: 2022-04-14. Review status: criteria provided, single submitter. Criteria: ACMG Guidelines, 2015. Collection method: research. Allele origin: germline. Affected: yes.
Comment: The variant was identified as homozygous. Despite strong evidence for it's causality due to high clinical overlap, the variant had to be classified as a VUS. Criteria applied: PM2_Supporting PM3_Supporting PP3

Literature cited by the submitters: DOI doi.org/10.1101/2022.04.04.22273309.

NM_003622.4(PPFIBP1):c.2177G>T (p.Gly726Val)

Gene: PPFIBP1 (PPFIB scaffold protein 1; plus strand). Cytogenetic location: 12p11.22.
Variant type: single nucleotide variant.
Coding change: c.2177G>T on transcript NM_003622.4 (MANE Select); coding-DNA position 2177, G replaced by T.
Protein change: p.Gly726Val; replaces glycine 726 with valine.
Molecular consequence: missense variant.
Genome position (GRCh38, 1-based): chr12:27,682,633, G>T. VCF-style: chr12-27682633-G-T. GRCh37 (hg19) VCF-style: chr12-27835566-G-T.
Other names: c.1736G>T, p.Gly579Val (NM_001198915.2); c.2102G>T, p.Gly701Val (NM_001198916.2); c.2195G>T, p.Gly732Val (NM_177444.3); short protein forms G579V, G701V, G726V, G732V.
Identifiers: ClinVar variation 1679120 (VCV001679120.1), dbSNP rs2140392469, ClinGen allele CA384192306.